The following is an entry in ClinVar:

ClinVar aggregate classification (germline): Pathogenic/Likely pathogenic. Review status: criteria provided, multiple submitters, no conflicts (2 of 4 stars). 10 submissions from 10 submitters: Pathogenic (7); Likely pathogenic (1). 2 of the submissions do not count toward it. Last evaluated 2026-01-14.

Conditions:
Primary ciliary dyskinesia. Also called: Ciliary dyskinesia. Identifiers: Orphanet 244, MedGen C0008780, MONDO:0016575, HP:0012265.
Primary ciliary dyskinesia 9. Also called: CILIARY DYSKINESIA, PRIMARY, 9, WITH OR WITHOUT SITUS INVERSUS. Identifiers: Orphanet 244, MedGen C2676235, MONDO:0012906, OMIM 612444.

Allele frequency attached by ClinVar (database versions not stated): gnomAD 0.00007 and 0.00008; TOPMed 0.00008.
gnomAD v4.1: 107 of 1,614,048 alleles (0.0066%); highest among the groups gnomAD compares: Non-Finnish European, 0.0013%; no homozygotes.

Submissions (10):

Natera, Inc.
Classification: Pathogenic for Primary ciliary dyskinesia. Last evaluated: 2026-01-14. Review status: criteria provided, single submitter. Criteria: Natera Variant Classification Schema (03/2026). Collection method: clinical testing. Allele origin: germline.
Comment: The c.1304G>A variant in DNAI2 is a nonsense variant predicted to introduce a stop codon at amino acid 435. This variant is expected to result in nonsense mediated decay, truncation, or a dysfunctional protein product. This variant is rare in the general population with a frequency below the threshold expected for the associated phenotype(s). This variant has been observed in one or more individuals affected with the associated recessive disease, as either homozygous or compound heterozygous with a second variant (PMID: 23891469). Given the available evidence, this variant is classified as Pathogenic.

Labcorp Genetics (formerly Invitae), Labcorp
Classification: Pathogenic for Primary ciliary dyskinesia. Last evaluated: 2025-12-30. Review status: criteria provided, single submitter. Criteria: Invitae Variant Classification Sherloc (09022015). Collection method: clinical testing. Allele origin: germline.
Comment: This sequence change creates a premature translational stop signal (p.Trp435*) in the DNAI2 gene. It is expected to result in an absent or disrupted protein product. Loss-of-function variants in DNAI2 are known to be pathogenic (PMID: 18950741, 23891469). This variant is present in population databases (rs752924362, gnomAD 0.3%). This premature translational stop signal has been observed in individuals with primary ciliary dyskinesia (PMID: 23261302, 23891469). ClinVar contains an entry for this variant (Variation ID: 228335). For these reasons, this variant has been classified as Pathogenic.

Fulgent Genetics
Classification: Pathogenic for Primary ciliary dyskinesia 9. Last evaluated: 2024-06-07. Review status: criteria provided, single submitter. Criteria: ACMG Guidelines, 2015. Collection method: clinical testing. Allele origin: germline.

GeneDx
Classification: Pathogenic. Last evaluated: 2024-04-20. Review status: criteria provided, single submitter. Criteria: GeneDx Variant Classification Process June 2021. Collection method: clinical testing. Allele origin: germline. Affected: yes.
Comment: Nonsense variant predicted to result in protein truncation or nonsense mediated decay in a gene for which loss of function is a known mechanism of disease; This variant is associated with the following publications: (PMID: 25802884, 23261302, 33447612, 35753512, 23891469, 31980526, 35728977)

Ambry Genetics
Classification: Pathogenic for Primary ciliary dyskinesia. Last evaluated: 2023-05-30. Review status: criteria provided, single submitter. Criteria: Ambry Variant Classification Scheme 2023. Collection method: clinical testing. Allele origin: germline.
Comment: The p.W435* pathogenic mutation (also known as c.1304G>A), located in coding exon 9 of the DNAI2 gene, results from a G to A substitution at nucleotide position 1304. This changes the amino acid from a tryptophan to a stop codon within coding exon 9. This variant was identified in several individuals in the homozygous and compound heterozygous state with a clinical diagnosis or high clinical suspicion of primary ciliary dyskinesia (Zariwala MA et al. Am J Hum Genet, 2013 Aug;93:336-45; Knowles MR et al. Am J Hum Genet, 2013 Jan;92:99-106; Shoemark A et al. Eur Respir J, 2022 Nov;60:). It was also identified in the homozygous state in an individual with bronchiectasis (Gileles-Hillel A et al. ERJ Open Res, 2020 Oct;6:). In addition to the clinical data presented in the literature, this alteration is expected to result in loss of function by premature protein truncation or nonsense-mediated mRNA decay. As such, this alteration is interpreted as a disease-causing mutation.

Revvity Omics, Revvity
Classification: Pathogenic for Primary ciliary dyskinesia 9. Last evaluated: 2023-02-09. Review status: criteria provided, single submitter. Criteria: ACMG Guidelines, 2015. Collection method: clinical testing. Allele origin: germline.

Illumina Laboratory Services, Illumina
Classification: Likely pathogenic for Primary ciliary dyskinesia 9. Last evaluated: 2018-12-04. Review status: criteria provided, single submitter. Criteria: ICSL Variant Classification Criteria 09 May 2019. Collection method: clinical testing. Allele origin: germline.
Comment: The DNAI2 c.1304G>A (p.Trp435Ter) variant is a stop-gained variant that is predicted to result in a premature termination of the protein. The p.Trp435Ter variant has been reported in one study and found in three individuals with primary ciliary dyskinesia, all in a homozygous state (Knowles et al. 2013). Control data are unavailable for this variant, which is reported at a frequency of 0.003376 in the Ashkenazi Jewish population of the Genome Aggregation Database. It is suggested that this variant may be a founder variant in the Ashkenazi Jewish population (Knowles et al. 2013; Fedick et al. 2015). Based on the potential impact of stop-gained variants and the clinical evidence, the p.Trp435Ter variant is classified as likely pathogenic for primary ciliary dyskinesia. This variant was observed by ICSL as part of a predisposition screen in an ostensibly healthy population.

Laboratory for Molecular Medicine, Mass General Brigham Personalized Medicine
Classification: Pathogenic for Primary ciliary dyskinesia. Last evaluated: 2015-09-03. Review status: criteria provided, single submitter. Criteria: LMM Criteria. Collection method: clinical testing. Allele origin: germline. Inheritance: Autosomal recessive inheritance. Observed: 1 variant allele.
Comment: The p.Trp435X variant in DNAI2 has been reported in 3 Ashkenazi Jewish individua ls with PCD, all of whom were homozygous for the variant, and in 2 Caucasian sib lings with PCD, both of whom were compound heterozygous with a second pathogenic DNAI2 variant (Knowles 2013, Zariwala 2013). This variant has been identified i n 14/66582 European chromosomes by the Exome Aggregation Consortium (ExAC; dbSNP rs752924362). Please note that presence in the general population does not contradict pathogenicity, especially for recessive d isorders and disorders with reduced penetrance. This nonsense variant leads to a premature termination codon at position 435, which is predicted to lead to a tr uncated or absent protein. In summary, this variant meets our criteria to be cla ssified as pathogenic for PCD in an autosomal recessive manner based on multiple reports of this variant in i ndividuals with PCD and the predicted impact of the variant.

Counsyl
Classification: Pathogenic for Primary ciliary dyskinesia 9. Last evaluated: 2016-10-18. Review status: no assertion criteria provided. Collection method: clinical testing. Allele origin: unknown. Not counted in ClinVar's aggregate classification.

OMIM
Classification: Pathogenic for CILIARY DYSKINESIA, PRIMARY, 9, WITH OR WITHOUT SITUS INVERSUS. Last evaluated: 2013-01-10. Review status: no assertion criteria provided. Collection method: literature only. Allele origin: germline. Not counted in ClinVar's aggregate classification.

Literature cited by the submitters: PubMed 23891469 (cited by 5 submitters); PubMed 18950741 (cited by Labcorp Genetics (formerly Invitae), Labcorp); PubMed 23261302 (cited by 6 submitters); PubMed 33447612 (cited by Ambry Genetics); PubMed 35728977 (cited by Ambry Genetics); PubMed 25802884 (cited by Illumina Laboratory Services, Illumina and Laboratory for Molecular Medicine, Mass General Brigham Personalized Medicine).

NM_023036.6(DNAI2):c.1304G>A (p.Trp435Ter)

Gene: DNAI2 (dynein axonemal intermediate chain 2; plus strand). Cytogenetic location: 17q25.1.
Variant type: single nucleotide variant.
Coding change: c.1304G>A on transcript NM_023036.6 (MANE Select); coding-DNA position 1304, G replaced by A.
Protein change: p.Trp435Ter; replaces tryptophan 435 with a stop codon.
Molecular consequence: nonsense. On other transcripts: non-coding transcript variant (1).
Genome position (GRCh38, 1-based): chr17:74,309,345, G>A. VCF-style: chr17-74309345-G-A. GRCh37 (hg19) VCF-style: chr17-72305484-G-A.
Other names: W453*; c.1304G>A, p.Trp435Ter (NM_001172810.3, NM_001353167.2); c.1304G>A (NM_023036.5); short protein forms W435*.
Identifiers: ClinVar variation 228335 (VCV000228335.28), dbSNP rs752924362, ClinGen allele CA501229.
Genomic context (GRCh38, chr17:74,309,345, plus strand): 5'-GGAGCCCCGTGAGGCCGACCGTTTTCTTTACCACCAGGATGGACGGAACCCTGGATATCT[G>A]GGACTTCATGTTCGAGCAGTGCGATCCCACCCTCAGCTTGAAGGTCACGCGCATGTCCCT-3'